The following is an entry in ClinVar:

ClinVar aggregate classification (germline): Uncertain significance. Review status: criteria provided, multiple submitters, no conflicts (2 of 4 stars). 7 submissions from 7 submitters: Uncertain significance (6). 1 of the submissions does not count toward it. Last evaluated 2024-10-26.

Conditions:
SLC12A3-related disorder. Also called: SLC12A3-related condition.
Familial hypokalemia-hypomagnesemia (GTLMNS). Also called: gitelman syndrome; HYPOMAGNESEMIA-HYPOKALEMIA, PRIMARY RENOTUBULAR, WITH HYPOCALCIURIA; POTASSIUM AND MAGNESIUM DEPLETION. Identifiers: Orphanet 358, MedGen C0268450, MONDO:0009904, OMIM 263800.
Inborn genetic diseases. Identifiers: MedGen C0950123, MeSH D030342.

Allele frequency attached by ClinVar (database versions not stated): 1000 Genomes Project 30x 0.00016; gnomAD exomes 0.00018; TOPMed 0.00019; 1000 Genomes Project 0.00020; ExAC 0.00020; gnomAD 0.00023 and 0.00024; ESP Exome Variant Server 0.00038.
gnomAD v4.1: 467 of 1,503,926 alleles (0.031%); highest among the groups gnomAD compares: Middle Eastern, 0.055%; no homozygotes.

Submissions (7):

Labcorp Genetics (formerly Invitae), Labcorp
Classification: Uncertain significance. Last evaluated: 2024-10-26. Review status: criteria provided, single submitter. Criteria: Invitae Variant Classification Sherloc (09022015). Collection method: clinical testing. Allele origin: germline.
Comment: This sequence change replaces arginine, which is basic and polar, with tryptophan, which is neutral and slightly polar, at codon 944 of the SLC12A3 protein (p.Arg944Trp). This variant is present in population databases (rs56125220, gnomAD 0.03%). This missense change has been observed in individual(s) with Gitelman syndrome (PMID: 31672324). ClinVar contains an entry for this variant (Variation ID: 887481). Invitae Evidence Modeling of protein sequence and biophysical properties (such as structural, functional, and spatial information, amino acid conservation, physicochemical variation, residue mobility, and thermodynamic stability) has been performed for this missense variant. However, the output from this modeling did not meet the statistical confidence thresholds required to predict the impact of this variant on SLC12A3 protein function. In summary, the available evidence is currently insufficient to determine the role of this variant in disease. Therefore, it has been classified as a Variant of Uncertain Significance.

Blueprint Genetics
Classification: Uncertain significance. Last evaluated: 2024-09-17. Review status: criteria provided, single submitter. Criteria: ACMG Guidelines, 2015. Collection method: clinical testing. Allele origin: germline.

Fulgent Genetics
Classification: Uncertain significance for Familial hypokalemia-hypomagnesemia. Last evaluated: 2024-06-23. Review status: criteria provided, single submitter. Criteria: ACMG Guidelines, 2015. Collection method: clinical testing. Allele origin: germline.

MVZ Medizinische Genetik Mainz
Classification: Uncertain significance for Familial hypokalemia-hypomagnesemia. Last evaluated: 2023-07-05. Review status: criteria provided, single submitter. Criteria: UK Practice Guidelines For Variant Classification V4 01 2020. Collection method: clinical testing. Allele origin: germline. Inheritance: Autosomal recessive inheritance. Affected: yes. Observed: 1 variant allele.
Comment: ACMG Criteria: PM2_SUP,PM3_SUP

Ambry Genetics
Classification: Uncertain significance for Inborn genetic diseases. Last evaluated: 2022-06-30. Review status: criteria provided, single submitter. Criteria: Ambry Variant Classification Scheme 2023. Collection method: clinical testing. Allele origin: germline.

Illumina Laboratory Services, Illumina
Classification: Uncertain significance for Familial hypokalemia-hypomagnesemia. Last evaluated: 2017-04-28. Review status: criteria provided, single submitter. Criteria: ICSL Variant Classification Criteria 13 December 2019. Collection method: clinical testing. Allele origin: germline.
Comment: This variant was observed as part of a predisposition screen in an ostensibly healthy population. A literature search was performed for the gene, cDNA change, and amino acid change (where applicable). Publications were found based on this search. However, the evidence from the literature, in combination with allele frequency data from public databases where available, was not sufficient to rule this variant in or out of causing disease. Therefore, this variant is classified as a variant of unknown significance.

PreventionGenetics, part of Exact Sciences
Classification: Uncertain significance for SLC12A3-related condition. Last evaluated: 2024-09-09. Review status: no assertion criteria provided. Collection method: clinical testing. Allele origin: germline. Not counted in ClinVar's aggregate classification.
Comment: The SLC12A3 c.2830C>T variant is predicted to result in the amino acid substitution p.Arg944Trp. This variant was reported with a pathogenic SLC12A3 variant in an individual with Gitelman syndrome (Supp. Table 1 Hureaux M et al 2019. PubMed ID: 31672324). This variant was also reported in the heterozygous state without a second SLC12A3 in a patient with clinical suspicion of Gitelman syndrome (Supp. Table 1 Glaudemans et al 2012. PubMed ID: 22009145). This variant is reported in 0.028% of alleles in individuals of European (non-Finnish) descent in gnomAD. Although we suspect that this variant may be pathogenic, at this time, the clinical significance of this variant is uncertain due to the absence of conclusive functional and genetic evidence.

Literature cited by the submitters: PubMed 31672324 (cited by Labcorp Genetics (formerly Invitae), Labcorp and Ambry Genetics); PubMed 22009145 (cited by Ambry Genetics and Illumina Laboratory Services, Illumina).

NM_001126108.2(SLC12A3):c.2803C>T (p.Arg935Trp)

Gene: SLC12A3 (solute carrier family 12 member 3; plus strand). Cytogenetic location: 16q13.
Variant type: single nucleotide variant.
Coding change: c.2803C>T on transcript NM_001126108.2 (MANE Select); coding-DNA position 2803, C replaced by T.
Protein change: p.Arg935Trp; replaces arginine 935 with tryptophan.
Molecular consequence: missense variant.
Genome position (GRCh38, 1-based): chr16:56,902,455, C>T. VCF-style: chr16-56902455-C-T. GRCh37 (hg19) VCF-style: chr16-56936367-C-T.
Other names: c.2830C>T, p.Arg944Trp (NM_000339.3); c.2827C>T, p.Arg943Trp (NM_001126107.2); short protein forms R943W, R944W, R935W.
Identifiers: ClinVar variation 887481 (VCV000887481.11), dbSNP rs56125220, ClinGen allele CA8070065.
Genomic context (GRCh38, chr16:56,902,455, plus strand): 5'-ATTGCACCCTTCCGTCTGAATGATGGCTTCAAGGATGAGGCCACTGTCAACGAGATGCGG[C>T]GGGACTGCCCCTGGAAGATCTCAGATGAGGAGATTACGAAGAACAGAGTCAAGGTGCAGA-3'
Protein context (NP_001119580.2, residues 925-945): KDEATVNEMR[Arg935Trp]DCPWKISDEE